The following is an entry in ClinVar:

NM_031308.4(EPPK1):c.3634G>A (p.Gly1212Ser)

Gene: EPPK1 (epiplakin 1; minus strand). Cytogenetic location: 8q24.3.
Variant type: single nucleotide variant.
Coding change: c.3634G>A on transcript NM_031308.4 (MANE Select); coding-DNA position 3634, G replaced by A.
Protein change: p.Gly1212Ser; replaces glycine 1212 with serine.
Molecular consequence: missense variant.
Genome position (GRCh38, 1-based): chr8:143,869,620, C>T on the plus strand (G>A on the coding strand, the complement: EPPK1 is on the minus strand). VCF-style: chr8-143869620-C-T. GRCh37 (hg19) VCF-style: chr8-144943788-C-T.
Other names: c.3634G>A (NM_031308.1); short protein forms G1212S.
Identifiers: ClinVar variation 3054447 (VCV003054447.3), dbSNP rs201640637, ClinGen allele CA4922731.
Genomic context (GRCh38, chr8:143,869,620, plus strand): 5'-CCTGGGCGGGCGACTGCGTGCCCTGAGCCAGGGCCTCAAGGGTCTCCTGGGTGATGATGC[C>T]AGCATCCAGCAGCCAGACAGCGGGTACCTCACCCCGTGGGCCGGGCACCATGACGCGGGC-3'
Protein context (NP_112598.3, residues 1202-1222): EVPAVWLLDA[Gly1212Ser]IITQETLEAL

ClinVar aggregate classification (germline): Uncertain significance. Review status: criteria provided, single submitter (1 of 4 stars). 2 submissions from 2 submitters: Uncertain significance (1). 1 of the submissions does not count toward it. Last evaluated 2025-08-13.

Conditions:
EPPK1-related disorder. Also called: EPPK1-related condition.

Allele frequency attached by ClinVar (database versions not stated): gnomAD exomes 0.00004; ExAC 0.00026; gnomAD 0.00057; TOPMed 0.00059; ESP Exome Variant Server 0.00105.
gnomAD v4.1: 135 of 1,578,570 alleles (0.0086%); highest among the groups gnomAD compares: African/African-American, 0.18%; no homozygotes.

Submissions (2):

Ambry Genetics
Classification: Uncertain significance. Last evaluated: 2025-08-13. Review status: criteria provided, single submitter. Criteria: Ambry Variant Classification Scheme 2023. Collection method: clinical testing. Allele origin: germline.

PreventionGenetics, part of Exact Sciences
Classification: Likely benign for EPPK1-related condition. Last evaluated: 2022-12-27. Review status: no assertion criteria provided. Collection method: clinical testing. Allele origin: germline. Not counted in ClinVar's aggregate classification.
Comment: This variant is classified as likely benign based on ACMG/AMP sequence variant interpretation guidelines (Richards et al. 2015 PMID: 25741868, with internal and published modifications).